The following is an entry in ClinVar:

ClinVar aggregate classification (germline): Pathogenic/Likely pathogenic. Review status: criteria provided, multiple submitters, no conflicts (2 of 4 stars). 3 submissions from 3 submitters: Pathogenic (1); Likely pathogenic (2). Last evaluated 2024-04-25.

Conditions:
Joubert syndrome. Also called: CEREBELLOPARENCHYMAL DISORDER IV; JOUBERT-BOLTSHAUSER SYNDROME; Familial aplasia of the vermis. Identifiers: Orphanet 475, MedGen C5979921, MONDO:0018772.
Nephronophthisis. Also called: Juvenile Nephronophthisis. Identifiers: Orphanet 655, MedGen C0687120, MONDO:0019005, HP:0000090.
Meckel-Gruber syndrome. Also called: DYSENCEPHALIA SPLANCHNOCYSTICA; GRUBER SYNDROME; Dysencephalia splachnocystica. Identifiers: Orphanet 564, MedGen C0265215, MONDO:0018921.
Leber congenital amaurosis (LCA). Also called: Leber's amaurosis. Identifiers: Orphanet 65, MedGen C0339527, MeSH D057130, MONDO:0018998.
Leber congenital amaurosis 10 (LCA10). Identifiers: Orphanet 65, MedGen C1857821, MONDO:0012723, OMIM 611755.

Submissions (3):

Natera, Inc.
Classification: Likely pathogenic for Leber congenital amaurosis. Last evaluated: 2024-04-25. Review status: criteria provided, single submitter. Criteria: Natera Variant Classification Schema (03/2026). Collection method: clinical testing. Allele origin: germline.
Comment: The c.2615C>A variant in CEP290 is a nonsense variant predicted to introduce a stop codon at amino acid 872. This variant is expected to result in nonsense mediated decay, truncation, or a dysfunctional protein product. This variant is rare in the general population with a frequency below the threshold expected for the associated phenotype(s). Given the available evidence, this variant is classified as Likely Pathogenic.

3billion
Classification: Likely pathogenic for Leber congenital amaurosis 10. Last evaluated: 2024-02-16. Review status: criteria provided, single submitter. Criteria: ACMG Guidelines, 2015. Collection method: clinical testing. Allele origin: germline. Affected: yes.
Comment: The variant is not observed in the gnomAD v2.1.1 dataset. Predicted Consequence/Location: Stop-gained (nonsense): predicted to result in a loss or disruption of normal protein function through nonsense-mediated decay (NMD) or protein truncation. Multiple pathogenic variants are reported downstream of the variant. Therefore, this variant is classified as Likely pathogenic according to the recommendation of ACMG/AMP guideline.

Labcorp Genetics (formerly Invitae), Labcorp
Classification: Pathogenic for Joubert syndrome; Meckel-Gruber syndrome; Nephronophthisis. Last evaluated: 2023-05-05. Review status: criteria provided, single submitter. Criteria: Invitae Variant Classification Sherloc (09022015). Collection method: clinical testing. Allele origin: germline.
Comment: For these reasons, this variant has been classified as Pathogenic. Algorithms developed to predict the effect of sequence changes on RNA splicing suggest that this variant may disrupt the consensus splice site. This variant has not been reported in the literature in individuals affected with CEP290-related conditions. This variant is not present in population databases (gnomAD no frequency). This sequence change creates a premature translational stop signal (p.Ser872*) in the CEP290 gene. It is expected to result in an absent or disrupted protein product. Loss-of-function variants in CEP290 are known to be pathogenic (PMID: 16909394, 17345604, 20690115).

Literature cited by the submitters: PubMed 16909394 (cited by Labcorp Genetics (formerly Invitae), Labcorp); PubMed 17345604 (cited by Labcorp Genetics (formerly Invitae), Labcorp); PubMed 20690115 (cited by Labcorp Genetics (formerly Invitae), Labcorp).

NM_025114.4(CEP290):c.2615C>A (p.Ser872Ter)

Gene: CEP290 (centrosomal protein 290; minus strand). Cytogenetic location: 12q21.32.
Variant type: single nucleotide variant.
Coding change: c.2615C>A on transcript NM_025114.4 (MANE Select); coding-DNA position 2615, C replaced by A.
Protein change: p.Ser872Ter; replaces serine 872 with a stop codon.
Molecular consequence: nonsense.
Genome position (GRCh38, 1-based): chr12:88,106,877, G>T on the plus strand (C>A on the coding strand, the complement: CEP290 is on the minus strand). VCF-style: chr12-88106877-G-T. GRCh37 (hg19) VCF-style: chr12-88500654-G-T.
Other names: c.2615C>A (NM_025114.3); short protein forms S872*.
Identifiers: ClinVar variation 2946692 (VCV002946692.5), dbSNP rs373341530, ClinGen allele CA385971529.